The following is an entry in ClinVar:

NM_000059.4(BRCA2):c.7580_7583dup (p.Gly2529fs)

Gene: BRCA2 (BRCA2 DNA repair associated; plus strand). Cytogenetic location: 13q13.1.
Variant type: Duplication.
Coding change: c.7580_7583dup on transcript NM_000059.4 (MANE Select); coding-DNA positions 7580 to 7583, 4 bases duplicated (TAGG; older notation c.7580_7583dupTAGG).
Protein change: p.Gly2529fs; shifts the reading frame from glycine 2529.
Molecular consequence: frameshift variant.
Genome position (GRCh38, 1-based): chr13:32,356,572-32,356,575, TAGG duplicated; duplicating any 4 consecutive bases within chr13:32,356,571-32,356,575 gives the same sequence; the c. name uses the placement nearest the transcript's 3' end. VCF-style (leftmost placement, unchanged base first): chr13-32356570-A-AGTAG. GRCh37 (hg19) VCF-style: chr13-32930707-A-AGTAG.
Other names: c.7580_7583dupTAGG (NM_000059.3); short protein forms G2529fs.
Identifiers: ClinVar variation 462446 (VCV000462446.23), dbSNP rs1555286296, ClinGen allele CA658656436.
Genomic context (GRCh38, chr13:32,356,570, plus strand): 5'-GCCAGGCAGTCTGTATCTTGCAAAAACATCCACTCTGCCTCGAATCTCTCTGAAAGCAGC[A>AGTAG]GTAGGAGGCCAAGTTCCCTCTGCGTGTTCTCATAAACAGGTATGTGTTTGTCTACAATAC-3'

ClinVar aggregate classification (germline): Pathogenic. Review status: criteria provided, multiple submitters, no conflicts (2 of 4 stars). 6 submissions from 6 submitters: Pathogenic (6). Last evaluated 2025-11-01.

Conditions:
Hereditary breast ovarian cancer syndrome. Also called: Hereditary breast and ovarian cancer; Hereditary breast and ovarian cancer syndrome (HBOC); Hereditary breast and/or ovarian cancer syndrome; BRCA1- and BRCA2-Associated Hereditary Breast and Ovarian Cancer; Breast and ovarian cancer; Hereditary breast and ovarian cancer syndrome. Identifiers: Orphanet 145, MedGen C0677776, MeSH D061325, MONDO:0003582. Disease mechanism: loss of function.
Hereditary cancer-predisposing syndrome. Also called: Neoplastic Syndromes, Hereditary; Tumor predisposition; Hereditary neoplastic syndrome; Hereditary Cancer Syndrome. Identifiers: Orphanet 140162, MedGen C0027672, MeSH D009386, MONDO:0015356.
Breast-ovarian cancer, familial, susceptibility to, 2 (BROVCA2). Also called: BRCA2 Hereditary Breast and Ovarian Cancer. Identifiers: Orphanet 145, MedGen C2675520, MONDO:0012933, OMIM 612555. Disease mechanism: loss of function.

Submissions (6):

Dasa
Classification: Pathogenic for Breast-ovarian cancer, familial, susceptibility to, 2. Last evaluated: 2025-11-01. Review status: criteria provided, single submitter. Criteria: DASA Assertion Criteria. Collection method: clinical testing. Allele origin: germline.
Comment: NM_000059.4(BRCA2):c.7580_7583dup (p.Gly2529Argfs*11) is a frameshift variant in BRCA2 predicted to alter the reading frame and introduce a premature termination codon and is predicted to result in an absent or altered protein product. Loss of function is an established disease mechanism for BRCA2 (PMID: 16199546; PMID: 17063271; PMID: 25632310). The affected residue or protein region has prior evidence supporting clinical relevance. Also, this variant is absent from population databases. Based on the currently available evidence, this variant is classified as pathogenic.

Labcorp Genetics (formerly Invitae), Labcorp
Classification: Pathogenic for Hereditary breast ovarian cancer syndrome. Last evaluated: 2024-09-15. Review status: criteria provided, single submitter. Criteria: Invitae Variant Classification Sherloc (09022015). Collection method: clinical testing. Allele origin: germline.
Comment: This sequence change creates a premature translational stop signal (p.Gly2529Argfs*11) in the BRCA2 gene. It is expected to result in an absent or disrupted protein product. Loss-of-function variants in BRCA2 are known to be pathogenic (PMID: 20104584). This variant is not present in population databases (gnomAD no frequency). This variant has not been reported in the literature in individuals affected with BRCA2-related conditions. ClinVar contains an entry for this variant (Variation ID: 462446). Algorithms developed to predict the effect of sequence changes on RNA splicing suggest that this variant may disrupt the consensus splice site. For these reasons, this variant has been classified as Pathogenic.

Myriad Genetics, Inc.
Classification: Pathogenic for Breast-ovarian cancer, familial, susceptibility to, 2. Last evaluated: 2023-04-13. Review status: criteria provided, single submitter. Criteria: Myriad Autosomal Dominant, Autosomal Recessive and X-Linked Classification Criteria (2023). Collection method: clinical testing. Allele origin: unknown.
Comment: This variant is considered pathogenic. This variant creates a frameshift predicted to result in premature protein truncation.

Color Diagnostics, LLC DBA Color Health
Classification: Pathogenic for Hereditary cancer-predisposing syndrome. Last evaluated: 2021-08-25. Review status: criteria provided, single submitter. Criteria: ACMG Guidelines, 2015. Collection method: clinical testing. Allele origin: germline.
Comment: This variant inserts 4 nucleotides in exon 15 of the BRCA2 gene, creating a frameshift and premature translation stop signal. This variant is expected to result in an absent or non-functional protein product. This variant has been reported in at least two suspected hereditary breast and ovarian cancer families (PMID: 29161300). This variant has not been identified in the general population by the Genome Aggregation Database (gnomAD). Loss of BRCA2 function is a known mechanism of disease. Based on the available evidence, this variant is classified as Pathogenic.

Mendelics
Classification: Pathogenic for Breast-ovarian cancer, familial, susceptibility to, 2. Last evaluated: 2019-05-28. Review status: criteria provided, single submitter. Criteria: Mendelics Assertion Criteria 2017. Collection method: clinical testing. Allele origin: unknown.

Ambry Genetics
Classification: Pathogenic for Hereditary cancer-predisposing syndrome. Last evaluated: 2016-10-24. Review status: criteria provided, single submitter. Criteria: Ambry Variant Classification Scheme 2023. Collection method: clinical testing. Allele origin: germline.
Comment: The c.7580_7583dupTAGG pathogenic mutation, located in coding exon 14 of the BRCA2 gene, results from a duplication of TAGG at nucleotide position 7580, causing a translational frameshift with a predicted alternate stop codon. This alteration is expected to result in loss of function by premature protein truncation or nonsense-mediated mRNA decay. As such, this alteration is interpreted as a disease-causing mutation.

Literature cited by the submitters: PubMed 16199546 (cited by Dasa); PubMed 17063271 (cited by Dasa); PubMed 25632310 (cited by Dasa); PubMed 20104584 (cited by Labcorp Genetics (formerly Invitae), Labcorp); PubMed 29161300 (cited by Color Diagnostics, LLC DBA Color Health).